The following is an entry in ClinVar:

ClinVar aggregate classification (germline): Likely benign. Review status: criteria provided, single submitter (1 of 4 stars). 2 submissions from 2 submitters: Likely benign (1). 1 of the submissions does not count toward it. Last evaluated 2023-08-24.

Conditions:
PLXNA2-related disorder. Also called: PLXNA2-related condition.

Allele frequency attached by ClinVar (database versions not stated): ExAC 0.00008; ESP Exome Variant Server 0.00008; gnomAD exomes 0.00008 and 0.00024; TOPMed 0.00010; 1000 Genomes Project 30x 0.00016; gnomAD 0.00016; 1000 Genomes Project 0.00020.

Submissions (2):

Labcorp Genetics (formerly Invitae), Labcorp
Classification: Likely benign. Last evaluated: 2023-08-24. Review status: criteria provided, single submitter. Criteria: Invitae Variant Classification Sherloc (09022015). Collection method: clinical testing. Allele origin: germline.

PreventionGenetics, part of Exact Sciences
Classification: Likely benign for PLXNA2-related condition. Last evaluated: 2021-08-11. Review status: no assertion criteria provided. Collection method: clinical testing. Allele origin: germline. Not counted in ClinVar's aggregate classification.
Comment: This variant is classified as likely benign based on ACMG/AMP sequence variant interpretation guidelines (Richards et al. 2015 PMID: 25741868, with internal and published modifications).

NM_025179.4(PLXNA2):c.4893C>T (p.Pro1631=)

Gene: PLXNA2 (plexin A2; minus strand). Cytogenetic location: 1q32.2.
Variant type: single nucleotide variant.
Coding change: c.4893C>T on transcript NM_025179.4 (MANE Select); coding-DNA position 4893, C replaced by T.
Protein change: p.Pro1631=; no amino-acid change (proline 1631 retained).
Molecular consequence: synonymous variant.
Genome position (GRCh38, 1-based): chr1:208,033,481, G>A on the plus strand (C>T on the coding strand, the complement: PLXNA2 is on the minus strand). VCF-style: chr1-208033481-G-A. GRCh37 (hg19) VCF-style: chr1-208206826-G-A.
Other names: c.4893C>T (NM_025179.3).
Identifiers: ClinVar variation 1546566 (VCV001546566.10), dbSNP rs150555772, ClinGen allele CA1372715.
Genomic context (GRCh38, chr1:208,033,481, plus strand): 5'-CACCTTGACCCCACTTTCCAGGTCTGGGGTGATCATCGGGGCCCGGGACCGCAGGCTGTC[G>A]GGGCTGCCCGTATACCTGAAGGAGGAGTCTGAGGAGAAGGGGTTGGTGGAGGGCTGTGAG-3'
Protein context (NP_079455.3, residues 1621-1641): YDSSFRYTGS[Pro1631=]DSLRSRAPMI